The following is an entry in ClinVar:

NM_032447.5(FBN3):c.7986G>A (p.Pro2662=)

Gene: FBN3 (fibrillin 3; minus strand). Cytogenetic location: 19p13.2.
Variant type: single nucleotide variant.
Coding change: c.7986G>A on transcript NM_032447.5 (MANE Select); coding-DNA position 7986, G replaced by A.
Protein change: p.Pro2662=; no amino-acid change (proline 2662 retained).
Molecular consequence: synonymous variant.
Genome position (GRCh38, 1-based): chr19:8,072,150, C>T on the plus strand (G>A on the coding strand, the complement: FBN3 is on the minus strand). VCF-style: chr19-8072150-C-T. GRCh37 (hg19) VCF-style: chr19-8137034-C-T.
Other names: c.7986G>A, p.Pro2662= (NM_001321431.2); c.7986G>A (NM_001321431.1).
Identifiers: ClinVar variation 724710 (VCV000724710.11), dbSNP rs144060152, ClinGen allele CA9150661.

ClinVar aggregate classification (germline): Likely benign. Review status: criteria provided, single submitter (1 of 4 stars). 2 submissions from 2 submitters: Likely benign (1). 1 of the submissions does not count toward it. Last evaluated 2026-01-18.

Conditions:
FBN3-related disorder. Also called: FBN3-related condition.

Allele frequency attached by ClinVar (database versions not stated): gnomAD exomes 0.00054 and 0.00037; gnomAD 0.00058 and 0.00026; TOPMed 0.00071; 1000 Genomes Project 30x 0.00016; 1000 Genomes Project 0.00020; ExAC 0.00039; ESP Exome Variant Server 0.00046.
gnomAD v4.1: 847 of 1,601,440 alleles (0.053%); highest among the groups gnomAD compares: Non-Finnish European, 0.064%; 2 homozygotes.

Submissions (2):

Labcorp Genetics (formerly Invitae), Labcorp
Classification: Likely benign. Last evaluated: 2026-01-18. Review status: criteria provided, single submitter. Criteria: Invitae Variant Classification Sherloc (09022015). Collection method: clinical testing. Allele origin: germline.

PreventionGenetics, part of Exact Sciences
Classification: Likely benign for FBN3-related condition. Last evaluated: 2019-04-08. Review status: no assertion criteria provided. Collection method: clinical testing. Allele origin: germline. Not counted in ClinVar's aggregate classification.
Comment: This variant is classified as likely benign based on ACMG/AMP sequence variant interpretation guidelines (Richards et al. 2015 PMID: 25741868, with internal and published modifications).